The following is an entry in ClinVar:

ClinVar aggregate classification (germline): Uncertain significance. Review status: criteria provided, multiple submitters, no conflicts (2 of 4 stars). 3 submissions from 3 submitters: Uncertain significance (3). Last evaluated 2025-12-11.

Conditions:
Saldino-Mainzer syndrome (SRTD9). Also called: Renal dysplasia, retinal pigmentary dystrophy, cerebellar ataxia and skeletal dysplasia; SHORT-RIB THORACIC DYSPLASIA 9 WITHOUT POLYDACTYLY; CONORENAL SYNDROME; short-rib thoracic dysplasia 9 with or without polydactyly. Identifiers: Orphanet 140969, MedGen C1849437, MONDO:0009964, OMIM 266920.
Inborn genetic diseases. Identifiers: MedGen C0950123, MeSH D030342.

Allele frequency attached by ClinVar (database versions not stated): gnomAD 0.00001 and 0.00003; gnomAD exomes 0.00002; ExAC 0.00003; TOPMed 0.00003; 1000 Genomes Project 30x 0.00031; 1000 Genomes Project 0.00040.
gnomAD v4.1: 22 of 1,612,236 alleles (0.0014%); highest among the groups gnomAD compares: South Asian, 0.012%; no homozygotes.

Submissions (3):

Ambry Genetics
Classification: Uncertain significance for Inborn genetic diseases. Last evaluated: 2025-12-11. Review status: criteria provided, single submitter. Criteria: Ambry Variant Classification Scheme 2023. Collection method: clinical testing. Allele origin: germline.

Blueprint Genetics
Classification: Uncertain significance. Last evaluated: 2024-02-16. Review status: criteria provided, single submitter. Criteria: ACMG Guidelines, 2015. Collection method: clinical testing. Allele origin: germline.

Labcorp Genetics (formerly Invitae), Labcorp
Classification: Uncertain significance for Saldino-Mainzer syndrome. Last evaluated: 2022-07-27. Review status: criteria provided, single submitter. Criteria: Invitae Variant Classification Sherloc (09022015). Collection method: clinical testing. Allele origin: germline.
Comment: This sequence change replaces arginine, which is basic and polar, with histidine, which is basic and polar, at codon 931 of the IFT140 protein (p.Arg931His). This variant is present in population databases (rs200088700, gnomAD 0.01%). This variant has not been reported in the literature in individuals affected with IFT140-related conditions. ClinVar contains an entry for this variant (Variation ID: 965013). Algorithms developed to predict the effect of missense changes on protein structure and function output the following: SIFT: "Tolerated"; PolyPhen-2: "Benign"; Align-GVGD: "Class C0". The histidine amino acid residue is found in multiple mammalian species, which suggests that this missense change does not adversely affect protein function. In summary, the available evidence is currently insufficient to determine the role of this variant in disease. Therefore, it has been classified as a Variant of Uncertain Significance.

NM_014714.4(IFT140):c.2792G>A (p.Arg931His)

Genes: IFT140 (intraflagellar transport 140; minus strand), LOC126862260 (CDK7 strongly-dependent group 2 enhancer GRCh37_chr16:1574508-1575707; plus strand). Cytogenetic location: 16p13.3.
Variant type: single nucleotide variant.
Coding change: c.2792G>A on transcript NM_014714.4 (MANE Select); coding-DNA position 2792, G replaced by A.
Protein change: p.Arg931His; replaces arginine 931 with histidine.
Molecular consequence: missense variant.
Genome position (GRCh38, 1-based): chr16:1,525,303, C>T on the plus strand (G>A on the coding strand, the complement: IFT140 is on the minus strand). VCF-style: chr16-1525303-C-T. GRCh37 (hg19) VCF-style: chr16-1575304-C-T.
Other names: short protein forms R931H.
Identifiers: ClinVar variation 965013 (VCV000965013.9), dbSNP rs200088700, ClinGen allele CA7813474.
Genomic context (GRCh38, chr16:1,525,303, plus strand): 5'-TTATTCACGTAGAGCTCCAGGGACGGCAGGTCCTCCGACAGCATCCTGGGCACCTCGAAG[C>T]GGTGCGTGTCCGACTTCTCGTAGCTGTGAGAGAAGGAGACAGAGGTCCTCGTTCCCTCCC-3'
Protein context (NP_055529.2, residues 921-941): LSYYEKSDTH[Arg931His]FEVPRMLSED